The following is an entry in ClinVar:

ClinVar aggregate classification (germline): Uncertain significance (1 of 4 stars; one submission).

Allele frequency attached by ClinVar (database versions not stated): ExAC 0.00008; gnomAD exomes 0.00009; TOPMed 0.00009; gnomAD 0.00011 and 0.00012.
gnomAD v4.1: 225 of 1,613,002 alleles (0.014%); highest among the groups gnomAD compares: Middle Eastern, 0.12%; no homozygotes.

Submission:

Labcorp Genetics (formerly Invitae), Labcorp
Classification: Uncertain significance. Last evaluated: 2024-01-08. Review status: criteria provided, single submitter. Criteria: Invitae Variant Classification Sherloc (09022015). Collection method: clinical testing. Allele origin: germline.
Comment: This sequence change replaces threonine, which is neutral and polar, with proline, which is neutral and non-polar, at codon 726 of the MPDZ protein (p.Thr726Pro). This variant is present in population databases (rs766976016, gnomAD 0.03%). This variant has not been reported in the literature in individuals affected with MPDZ-related conditions. ClinVar contains an entry for this variant (Variation ID: 1041434). An algorithm developed to predict the effect of missense changes on protein structure and function (PolyPhen-2) suggests that this variant is likely to be disruptive. In summary, the available evidence is currently insufficient to determine the role of this variant in disease. Therefore, it has been classified as a Variant of Uncertain Significance.

NM_001378778.1(MPDZ):c.2176A>C (p.Thr726Pro)

Gene: MPDZ (multiple PDZ domain crumbs cell polarity complex component; minus strand). Cytogenetic location: 9p23.
Variant type: single nucleotide variant.
Coding change: c.2176A>C on transcript NM_001378778.1 (MANE Select); coding-DNA position 2176, A replaced by C.
Protein change: p.Thr726Pro; replaces threonine 726 with proline.
Molecular consequence: missense variant.
Genome position (GRCh38, 1-based): chr9:13,188,972, T>G on the plus strand (A>C on the coding strand, the complement: MPDZ is on the minus strand). VCF-style: chr9-13188972-T-G. GRCh37 (hg19) VCF-style: chr9-13188971-T-G.
Other names: c.2176A>C, p.Thr726Pro (NM_001261406.2, NM_001261407.2, NM_001330637.2 and 14 more transcripts); short protein forms T726P.
Identifiers: ClinVar variation 1041434 (VCV001041434.4), dbSNP rs766976016, ClinGen allele CA4987532.